The following is an entry in ClinVar:

NM_006922.4(SCN3A):c.349G>A (p.Val117Ile)

Gene: SCN3A (sodium voltage-gated channel alpha subunit 3; minus strand). Cytogenetic location: 2q24.3.
Variant type: single nucleotide variant.
Coding change: c.349G>A on transcript NM_006922.4 (MANE Select); coding-DNA position 349, G replaced by A.
Protein change: p.Val117Ile; replaces valine 117 with isoleucine.
Molecular consequence: missense variant.
Genome position (GRCh38, 1-based): chr2:165,170,464, C>T on the plus strand (G>A on the coding strand, the complement: SCN3A is on the minus strand). VCF-style: chr2-165170464-C-T. GRCh37 (hg19) VCF-style: chr2-166026974-C-T.
Other names: c.349G>A, p.Val117Ile (NM_001081676.2, NM_001081677.2); short protein forms V117I.
Identifiers: ClinVar variation 1061780 (VCV001061780.9), dbSNP rs2105910546, ClinGen allele CA349240487.

ClinVar aggregate classification (germline): Uncertain significance (1 of 4 stars; one submission).

Allele frequency attached by ClinVar (database versions not stated): gnomAD exomes 0.00001.
gnomAD v4.1: 12 of 1,610,860 alleles (0.00074%); highest among the groups gnomAD compares: Non-Finnish European, 0.001%; no homozygotes.

Submission:

Labcorp Genetics (formerly Invitae), Labcorp
Classification: Uncertain significance. Last evaluated: 2023-07-20. Review status: criteria provided, single submitter. Criteria: Invitae Variant Classification Sherloc (09022015). Collection method: clinical testing. Allele origin: germline.
Comment: ClinVar contains an entry for this variant (Variation ID: 1061780). This sequence change replaces valine, which is neutral and non-polar, with isoleucine, which is neutral and non-polar, at codon 117 of the SCN3A protein (p.Val117Ile). This variant is not present in population databases (gnomAD no frequency). This variant has not been reported in the literature in individuals affected with SCN3A-related conditions. Advanced modeling of protein sequence and biophysical properties (such as structural, functional, and spatial information, amino acid conservation, physicochemical variation, residue mobility, and thermodynamic stability) performed at Invitae indicates that this missense variant is not expected to disrupt SCN3A protein function. In summary, the available evidence is currently insufficient to determine the role of this variant in disease. Therefore, it has been classified as a Variant of Uncertain Significance.